The following is an entry in ClinVar:

ClinVar aggregate classification (germline): Pathogenic. Review status: criteria provided, multiple submitters, no conflicts (2 of 4 stars). 2 submissions from 2 submitters: Pathogenic (2). Last evaluated 2018-12-28.

Conditions:
KBG syndrome (KBGS). Also called: ANKRD11-Related KBG Syndrome. Identifiers: Orphanet 2332, MedGen C0220687, MONDO:0007846, OMIM 148050.

Submissions (2):

GeneDx
Classification: Pathogenic. Last evaluated: 2018-12-28. Review status: criteria provided, single submitter. Criteria: GeneDx Variant Classification (06012015). Collection method: clinical testing. Allele origin: germline. Affected: yes.
Comment: The Q142X variant in the ANKRD11 gene has not been reported previously as a pathogenic variant nor as a benign variant, to our knowledge. This variant is predicted to cause loss of normal protein function either through protein truncation or nonsense-mediated mRNA decay. The Q142X variant is not observed in large population cohorts (Lek et al., 2016). We interpret Q142X as a pathogenic variant.

Kasturba Medical College, Manipal, Kasturba Medical College, Manipal, Manipal Academy of Higher Education, Manipal, India
Classification: Pathogenic for KBG syndrome. Review status: criteria provided, single submitter. Criteria: ACMG Guidelines, 2015. Collection method: clinical testing. Allele origin: de novo. Inheritance: Autosomal dominant inheritance. Affected: yes.

NM_013275.6(ANKRD11):c.424C>T (p.Gln142Ter)

Gene: ANKRD11 (ankyrin repeat domain 11; minus strand). Cytogenetic location: 16q24.3.
Variant type: single nucleotide variant.
Coding change: c.424C>T on transcript NM_013275.6 (MANE Select); coding-DNA position 424, C replaced by T.
Protein change: p.Gln142Ter; replaces glutamine 142 with a stop codon.
Molecular consequence: nonsense. On other transcripts: non-coding transcript variant (1).
Genome position (GRCh38, 1-based): chr16:89,290,802, G>A on the plus strand (C>T on the coding strand, the complement: ANKRD11 is on the minus strand). VCF-style: chr16-89290802-G-A. GRCh37 (hg19) VCF-style: chr16-89357210-G-A.
Other names: c.424C>T, p.Gln142Ter (NM_001256182.2, NM_001256183.2); short protein forms Q142*.
Identifiers: ClinVar variation 620520 (VCV000620520.4), dbSNP rs1567592494, ClinGen allele CA397167488.